The following is an entry in ClinVar:

ClinVar aggregate classification (germline): Uncertain significance. Review status: criteria provided, multiple submitters, no conflicts (2 of 4 stars). 2 submissions from 2 submitters: Uncertain significance (2). Last evaluated 2024-10-22.

Conditions:
Inborn genetic diseases. Identifiers: MedGen C0950123, MeSH D030342.

Allele frequency attached by ClinVar (database versions not stated): gnomAD exomes below 0.00001 and 0.00001; gnomAD 0.00001.
gnomAD v4.1: 4 of 1,613,798 alleles (0.00025%); highest among the groups gnomAD compares: East Asian, 0.0045%; no homozygotes.

Submissions (2):

Labcorp Genetics (formerly Invitae), Labcorp
Classification: Uncertain significance. Last evaluated: 2024-10-22. Review status: criteria provided, single submitter. Criteria: Invitae Variant Classification Sherloc (09022015). Collection method: clinical testing. Allele origin: germline.
Comment: This sequence change replaces isoleucine, which is neutral and non-polar, with valine, which is neutral and non-polar, at codon 263 of the TTPA protein (p.Ile263Val). This variant is present in population databases (no rsID available, gnomAD 0.01%). This variant has not been reported in the literature in individuals affected with TTPA-related conditions. ClinVar contains an entry for this variant (Variation ID: 1431798). Invitae Evidence Modeling of protein sequence and biophysical properties (such as structural, functional, and spatial information, amino acid conservation, physicochemical variation, residue mobility, and thermodynamic stability) indicates that this missense variant is not expected to disrupt TTPA protein function with a negative predictive value of 80%. In summary, the available evidence is currently insufficient to determine the role of this variant in disease. Therefore, it has been classified as a Variant of Uncertain Significance.

Ambry Genetics
Classification: Uncertain significance for Inborn genetic diseases. Last evaluated: 2023-05-03. Review status: criteria provided, single submitter. Criteria: Ambry Variant Classification Scheme 2023. Collection method: clinical testing. Allele origin: germline.

NM_000370.3(TTPA):c.787A>G (p.Ile263Val)

Gene: TTPA (alpha tocopherol transfer protein; minus strand). Cytogenetic location: 8q12.3.
Variant type: single nucleotide variant.
Coding change: c.787A>G on transcript NM_000370.3 (MANE Select); coding-DNA position 787, A replaced by G.
Protein change: p.Ile263Val; replaces isoleucine 263 with valine.
Molecular consequence: missense variant.
Genome position (GRCh38, 1-based): chr8:63,061,302, T>C on the plus strand (A>G on the coding strand, the complement: TTPA is on the minus strand). VCF-style: chr8-63061302-T-C. GRCh37 (hg19) VCF-style: chr8-63973861-T-C.
Other names: short protein forms I263V.
Identifiers: ClinVar variation 1431798 (VCV001431798.7), dbSNP rs1251558977, ClinGen allele CA371331718.